The following is an entry in ClinVar:

NM_001042492.3(NF1):c.2196G>T (p.Leu732Phe)

Gene: NF1 (neurofibromin 1; plus strand). Cytogenetic location: 17q11.2.
Variant type: single nucleotide variant.
Coding change: c.2196G>T on transcript NM_001042492.3 (MANE Select); coding-DNA position 2196, G replaced by T.
Protein change: p.Leu732Phe; replaces leucine 732 with phenylalanine.
Molecular consequence: missense variant.
Genome position (GRCh38, 1-based): chr17:31,226,629, G>T. VCF-style: chr17-31226629-G-T. GRCh37 (hg19) VCF-style: chr17-29553647-G-T.
Other names: c.2196G>T, p.Leu732Phe (NM_000267.4); short protein forms L732F.
Identifiers: ClinVar variation 1039563 (VCV001039563.6), dbSNP rs2067019832, ClinGen allele CA398982468.
Genomic context (GRCh38, chr17:31,226,629, plus strand): 5'-CCTCTGTGAGGAAGCAGATATCCGGTGTGGGGTGGATGAAGTGTCAGTGCATAACCTCTT[G>T]CCCAACTATAACACATTCATGGAGTTTGCCTCTGTCAGCAATATGATGTCAACAGGTAAA-3'
Protein context (NP_001035957.1, residues 722-742): GVDEVSVHNL[Leu732Phe]PNYNTFMEFA

ClinVar aggregate classification (germline): Uncertain significance. Review status: criteria provided, multiple submitters, no conflicts (2 of 4 stars). 2 submissions from 2 submitters: Uncertain significance (2). Last evaluated 2025-01-13.

Conditions:
Hereditary cancer-predisposing syndrome. Also called: Hereditary neoplastic syndrome; Neoplastic Syndromes, Hereditary; Tumor predisposition; Hereditary Cancer Syndrome. Identifiers: Orphanet 140162, MedGen C0027672, MeSH D009386, MONDO:0015356.
Cardiovascular phenotype. Identifiers: MedGen CN230736.
Neurofibromatosis, type 1 (NF1). Also called: VON RECKLINGHAUSEN DISEASE; NEUROFIBROMATOSIS, TYPE I, SOMATIC; Peripheral type neurofibromatosis; Neurofibromatosis, type I. Identifiers: Orphanet 636, MedGen C0027831, MONDO:0018975, OMIM 162200. Disease mechanism: loss of function.

Allele frequency attached by ClinVar (database versions not stated): TOPMed below 0.00001.

Submissions (2):

Labcorp Genetics (formerly Invitae), Labcorp
Classification: Uncertain significance for Neurofibromatosis, type 1. Last evaluated: 2025-01-13. Review status: criteria provided, single submitter. Criteria: Invitae Variant Classification Sherloc (09022015). Collection method: clinical testing. Allele origin: germline.
Comment: This sequence change replaces leucine, which is neutral and non-polar, with phenylalanine, which is neutral and non-polar, at codon 732 of the NF1 protein (p.Leu732Phe). This variant is not present in population databases (gnomAD no frequency). This variant has not been reported in the literature in individuals affected with NF1-related conditions. ClinVar contains an entry for this variant (Variation ID: 1039563). Invitae Evidence Modeling of protein sequence and biophysical properties (such as structural, functional, and spatial information, amino acid conservation, physicochemical variation, residue mobility, and thermodynamic stability) has been performed for this missense variant. However, the output from this modeling did not meet the statistical confidence thresholds required to predict the impact of this variant on NF1 protein function. In summary, the available evidence is currently insufficient to determine the role of this variant in disease. Therefore, it has been classified as a Variant of Uncertain Significance.

Ambry Genetics
Classification: Uncertain significance for Cardiovascular phenotype; Hereditary cancer-predisposing syndrome. Last evaluated: 2024-11-12. Review status: criteria provided, single submitter. Criteria: Ambry Variant Classification Scheme 2023. Collection method: clinical testing. Allele origin: germline.
Comment: The p.L732F variant (also known as c.2196G>T), located in coding exon 18 of the NF1 gene, results from a G to T substitution at nucleotide position 2196. The leucine at codon 732 is replaced by phenylalanine, an amino acid with highly similar properties. This amino acid position is highly conserved in available vertebrate species. In addition, this alteration is predicted to be tolerated by in silico analysis. Based on the available evidence, the clinical significance of this variant remains unclear.